The following is an entry in ClinVar:

ClinVar aggregate classification (germline): Conflicting classifications of pathogenicity. Review status: criteria provided, conflicting classifications (1 of 4 stars). 3 submissions from 3 submitters: Uncertain significance (2); Likely benign (1). Last evaluated 2023-06-23.

Conditions:
Hereditary cancer-predisposing syndrome. Also called: Neoplastic Syndromes, Hereditary; Tumor predisposition; Hereditary Cancer Syndrome; Hereditary neoplastic syndrome. Identifiers: Orphanet 140162, MedGen C0027672, MeSH D009386, MONDO:0015356.
Hereditary breast ovarian cancer syndrome. Also called: Hereditary breast and ovarian cancer syndrome (HBOC); Hereditary breast and ovarian cancer; BRCA1- and BRCA2-Associated Hereditary Breast and Ovarian Cancer; Hereditary breast and ovarian cancer syndrome; Breast and ovarian cancer; Hereditary breast and/or ovarian cancer syndrome. Identifiers: Orphanet 145, MedGen C0677776, MeSH D061325, MONDO:0003582. Disease mechanism: loss of function.

Submissions (3):

Labcorp Genetics (formerly Invitae), Labcorp
Classification: Uncertain significance for Hereditary breast ovarian cancer syndrome. Last evaluated: 2023-06-23. Review status: criteria provided, single submitter. Criteria: Invitae Variant Classification Sherloc (09022015). Collection method: clinical testing. Allele origin: germline.
Comment: This sequence change replaces glutamine, which is neutral and polar, with histidine, which is basic and polar, at codon 2159 of the BRCA2 protein (p.Gln2159His). This variant is not present in population databases (gnomAD no frequency). This variant has not been reported in the literature in individuals affected with BRCA2-related conditions. ClinVar contains an entry for this variant (Variation ID: 1753730). Advanced modeling of protein sequence and biophysical properties (such as structural, functional, and spatial information, amino acid conservation, physicochemical variation, residue mobility, and thermodynamic stability) performed at Invitae indicates that this missense variant is not expected to disrupt BRCA2 protein function. In summary, the available evidence is currently insufficient to determine the role of this variant in disease. Therefore, it has been classified as a Variant of Uncertain Significance.

University of Washington Department of Laboratory Medicine, University of Washington
Classification: Likely benign for Hereditary cancer-predisposing syndrome. Last evaluated: 2023-03-23. Review status: criteria provided, single submitter. Criteria: Dines et al. (Genet Med. 2020). Collection method: curation. Allele origin: germline.
Comment: Missense variant in a coldspot region where missense variants are very unlikely to be pathogenic (PMID:31911673).

BRCA2 exon 11 coldspot. Reclassification based on statistical prior probability.

Ambry Genetics
Classification: Uncertain significance for Hereditary cancer-predisposing syndrome. Last evaluated: 2022-03-17. Review status: criteria provided, single submitter. Criteria: Ambry Variant Classification Scheme 2023. Collection method: clinical testing. Allele origin: germline.
Comment: The p.Q2159H variant (also known as c.6477A>C), located in coding exon 10 of the BRCA2 gene, results from an A to C substitution at nucleotide position 6477. The glutamine at codon 2159 is replaced by histidine, an amino acid with highly similar properties. This amino acid position is poorly conserved in available vertebrate species. In addition, this alteration is predicted to be tolerated by in silico analysis. Since supporting evidence is limited at this time, the clinical significance of this alteration remains unclear.

NM_000059.4(BRCA2):c.6477A>C (p.Gln2159His)

Gene: BRCA2 (BRCA2 DNA repair associated; plus strand). Cytogenetic location: 13q13.1.
Variant type: single nucleotide variant.
Coding change: c.6477A>C on transcript NM_000059.4 (MANE Select); coding-DNA position 6477, A replaced by C.
Protein change: p.Gln2159His; replaces glutamine 2159 with histidine.
Molecular consequence: missense variant.
Genome position (GRCh38, 1-based): chr13:32,340,832, A>C. VCF-style: chr13-32340832-A-C. GRCh37 (hg19) VCF-style: chr13-32914969-A-C.
Other names: c.6477A>C, p.Gln2159His (NM_001406719.1, NM_001406720.1); short protein forms Q2159H.
Identifiers: ClinVar variation 1753730 (VCV001753730.7), dbSNP rs1566234713, ClinGen allele CA387789424.